The following is an entry in ClinVar:

ClinVar aggregate classification (germline): Benign/Likely benign. Review status: criteria provided, multiple submitters, no conflicts (2 of 4 stars). 3 submissions from 3 submitters: Benign (1); Likely benign (1). 1 of the submissions does not count toward it. Last evaluated 2026-01-28.

Allele frequency attached by ClinVar (database versions not stated): gnomAD 0.00007 and 0.00017; TOPMed 0.00017; 1000 Genomes Project 30x 0.00031; 1000 Genomes Project 0.00040; ExAC 0.00041.
gnomAD v4.1: 645 of 1,559,396 alleles (0.041%); highest among the groups gnomAD compares: East Asian, 1.4%; 4 homozygotes.

Submissions (3):

Labcorp Genetics (formerly Invitae), Labcorp
Classification: Benign. Last evaluated: 2026-01-28. Review status: criteria provided, single submitter. Criteria: Invitae Variant Classification Sherloc (09022015). Collection method: clinical testing. Allele origin: germline.

Blueprint Genetics
Classification: Likely benign. Last evaluated: 2024-06-19. Review status: criteria provided, single submitter. Criteria: ACMG Guidelines, 2015. Collection method: clinical testing. Allele origin: germline.

ITMI
No classification provided. Condition: AllHighlyPenetrant. Last evaluated: 2013-09-19. Review status: no classification provided. Collection method: reference population. Allele origin: germline. Not counted in ClinVar's aggregate classification.
Comment: Please see associated publication for description of ethnicities

Literature cited by the submitters: PubMed 24728327 (cited by ITMI).

NM_000400.4(ERCC2):c.1119-19C>T

Gene: ERCC2 (ERCC excision repair 2, TFIIH core complex helicase subunit; minus strand). Cytogenetic location: 19q13.32.
Variant type: single nucleotide variant.
Coding change: c.1119-19C>T on transcript NM_000400.4 (MANE Select); 19 bases into the intron before coding-DNA position 1119, C replaced by T.
Molecular consequence: intron variant.
Genome position (GRCh38, 1-based): chr19:45,361,661, G>A on the plus strand (C>T on the coding strand, the complement: ERCC2 is on the minus strand). VCF-style: chr19-45361661-G-A. GRCh37 (hg19) VCF-style: chr19-45864919-G-A.
Other names: c.1047-19C>T (NM_001130867.2).
Identifiers: ClinVar variation 135524 (VCV000135524.10), dbSNP rs3916824, ClinGen allele CA162981.
Genomic context (GRCh38, chr19:45,361,661, plus strand): 5'-TCCAGAGTATGCAGCAGGGACCGGAGGCGTTCAGCACAGAATCTGGCGGGGAGGAGAGAC[G>A]GGGTCGGGGGGCAGACGGAAGCATGAGCAGGACCAGCAGCCCTGCCTCCGCCATCACGAC-3'